The following is an entry in ClinVar:

NM_002585.4(PBX1):c.694G>C (p.Asp232His)

Gene: PBX1 (PBX homeobox 1; plus strand). Cytogenetic location: 1q23.3.
Variant type: single nucleotide variant.
Coding change: c.694G>C on transcript NM_002585.4 (MANE Select); coding-DNA position 694, G replaced by C.
Protein change: p.Asp232His; replaces aspartic acid 232 with histidine.
Molecular consequence: missense variant.
Genome position (GRCh38, 1-based): chr1:164,799,882, G>C. VCF-style: chr1-164799882-G-C. GRCh37 (hg19) VCF-style: chr1-164769119-G-C.
Other names: c.694G>C, p.Asp232His (NM_001204961.2, NM_001204963.2, NM_001353131.2); c.445G>C, p.Asp149His (NM_001353130.1); short protein forms D149H, D232H.
Identifiers: ClinVar variation 3377008 (VCV003377008.1).

ClinVar aggregate classification (germline): Likely pathogenic (1 of 4 stars; one submission).

Conditions:
Congenital anomalies of kidney and urinary tract syndrome with or without hearing loss, abnormal ears, or developmental delay. Also called: Congenital Anomalies of the Kidney and Urinary Tract syndrome with or without Hearing Loss, Abnormal Ears, or Developmental Delay. Identifiers: Orphanet 656130, MedGen C4539968, MONDO:0060549, OMIM 617641.

Submission:

Victorian Clinical Genetics Services, Murdoch Childrens Research Institute
Classification: Likely pathogenic for Congenital anomalies of kidney and urinary tract syndrome with or without hearing loss, abnormal ears, or developmental delay. Last evaluated: 2024-10-09. Review status: criteria provided, single submitter. Criteria: ACMG Guidelines, 2015. Collection method: clinical testing. Allele origin: germline. Inheritance: Autosomal dominant inheritance. Affected: yes.
Comment: Based on the classification scheme VCGS_Germline_v1.3.4, this variant is classified as Likely pathogenic. Following criteria are met: 0102 - Loss of function is a known mechanism of disease in this gene and is associated with congenital anomalies of kidney and urinary tract syndrome with or without hearing loss, abnormal ears, or developmental delay (MIM#617641). (I) 0107 - This gene is associated with autosomal dominant disease. (I) 0200 - Variant is predicted to result in a missense amino acid change from aspartic acid to histidine. (I) 0251 - This variant is heterozygous. (I) 0301 - Variant is absent from gnomAD (both v2 and v3). (SP) 0502 - Missense variant with conflicting in silico predictions and uninformative conservation. (I) 0603 - Missense variant in a region that is highly intolerant to missense variation (high constraint region in DECIPHER). (SP) 0705 - No comparable missense variants have previous evidence for pathogenicity. (I) 0807 - This variant has no previous evidence of pathogenicity. (I) 0905 - No published segregation evidence has been identified for this variant. (I) 1007 - No published functional evidence has been identified for this variant. (SP) Legend: (SP) - Supporting pathogenic, (I) - Information, (SB) - Supporting benign